The following is an entry in ClinVar:

NM_002661.5(PLCG2):c.2432A>T (p.Tyr811Phe)

Gene: PLCG2 (phospholipase C gamma 2; plus strand). Cytogenetic location: 16q23.3.
Variant type: single nucleotide variant.
Coding change: c.2432A>T on transcript NM_002661.5 (MANE Select); coding-DNA position 2432, A replaced by T.
Protein change: p.Tyr811Phe; replaces tyrosine 811 with phenylalanine.
Molecular consequence: missense variant.
Genome position (GRCh38, 1-based): chr16:81,927,096, A>T. VCF-style: chr16-81927096-A-T. GRCh37 (hg19) VCF-style: chr16-81960701-A-T.
Other names: c.2432A>T, p.Tyr811Phe (NM_001425749.1, NM_001425750.1, NM_001425751.1); short protein forms Y811F.
Identifiers: ClinVar variation 4776650 (VCV004776650.1).
Genomic context (GRCh38, chr16:81,927,096, plus strand): 5'-CATGCCACCTGGTGACAGCGCCCCCATGTCCTCTCTTCTTATCCAGGTGGAAAGGAGACT[A>T]TGGAACCAGGATCCAGCAGTACTTCCCATCCAACTACGTCGAGGACATCTCAACTGCAGA-3'
Protein context (NP_002652.2, residues 801-821): KEPGGWWKGD[Tyr811Phe]GTRIQQYFPS

ClinVar aggregate classification (germline): Uncertain significance (1 of 4 stars; one submission).

Conditions:
Familial cold autoinflammatory syndrome 3 (FCAS3). Also called: FAMILIAL ATYPICAL COLD URTICARIA; ANTIBODY DEFICIENCY AND IMMUNE DYSREGULATION, PLCG2-ASSOCIATED. Identifiers: Orphanet 300359, MedGen C3280914, MONDO:0013766, OMIM 614468.

gnomAD v4.1: 7 of 1,612,678 alleles (0.00043%); highest among the groups gnomAD compares: South Asian, 0.0011%; no homozygotes.

Submission:

Labcorp Genetics (formerly Invitae), Labcorp
Classification: Uncertain significance for Familial cold autoinflammatory syndrome 3. Last evaluated: 2025-05-04. Review status: criteria provided, single submitter. Criteria: Invitae Variant Classification Sherloc (09022015). Collection method: clinical testing. Allele origin: germline.
Comment: This sequence change replaces tyrosine, which is neutral and polar, with phenylalanine, which is neutral and non-polar, at codon 811 of the PLCG2 protein (p.Tyr811Phe). This variant is present in population databases (no rsID available, gnomAD 0.0009%). This variant has not been reported in the literature in individuals affected with PLCG2-related conditions. An algorithm developed to predict the effect of missense changes on protein structure and function (PolyPhen-2) suggests that this variant is likely to be disruptive. In summary, the available evidence is currently insufficient to determine the role of this variant in disease. Therefore, it has been classified as a Variant of Uncertain Significance.